The following is an entry in ClinVar:

NM_004415.4(DSP):c.2299T>G (p.Leu767Val)

Gene: DSP (desmoplakin; plus strand). Cytogenetic location: 6p24.3.
Variant type: single nucleotide variant.
Coding change: c.2299T>G on transcript NM_004415.4 (MANE Select); coding-DNA position 2299, T replaced by G.
Protein change: p.Leu767Val; replaces leucine 767 with valine.
Molecular consequence: missense variant.
Genome position (GRCh38, 1-based): chr6:7,574,658, T>G. VCF-style: chr6-7574658-T-G. GRCh37 (hg19) VCF-style: chr6-7574891-T-G.
Other names: c.2299T>G (LRG_423t1); c.2299T>G, p.Leu767Val (NM_001008844.3, NM_001319034.2); short protein forms L767V.
Identifiers: ClinVar variation 626485 (VCV000626485.8), dbSNP rs1561692940, ClinGen allele CA362681019.

ClinVar aggregate classification (germline): Uncertain significance. Review status: criteria provided, multiple submitters, no conflicts (2 of 4 stars). 3 submissions from 3 submitters: Uncertain significance (3). Last evaluated 2023-10-06.

Conditions:
Arrhythmogenic cardiomyopathy with wooly hair and keratoderma. Also called: Carvajal syndrome; PALMOPLANTAR KERATODERMA WITH LEFT VENTRICULAR CARDIOMYOPATHY AND WOOLLY HAIR; Dilated cardiomyopathy with woolly hair and keratoderma; Arrhythmogenic cardiomyopathy with woolly hair and keratoderma. Identifiers: Orphanet 65282, MedGen C1854063, MONDO:0011581, OMIM 605676.
Cardiomyopathy (CMYO). Also called: Cardiomyopathies. Identifiers: Orphanet 167848, MedGen C0878544, MONDO:0004994, HP:0001638. Inheritance: Various modes of inheritance.

Submissions (3):

All of Us Research Program, National Institutes of Health
Classification: Uncertain significance for Arrhythmogenic cardiomyopathy with wooly hair and keratoderma. Last evaluated: 2023-10-06. Review status: criteria provided, single submitter. Criteria: ACMG Guidelines, 2015. Collection method: clinical testing. Allele origin: germline. Inheritance: Autosomal dominant inheritance. Observed: 1 variant allele, 1 heterozygote.
Comment: This missense variant replaces leucine with valine at codon 767 of the DSP protein. Computational prediction is inconclusive regarding the impact of this variant on protein structure and function (internally defined REVEL score threshold 0.5 < inconclusive < 0.7, PMID: 27666373). To our knowledge, functional studies have not been reported for this variant. This variant has not been reported in individuals affected with cardiovascular disorders in the literature. This variant has not been identified in the general population by the Genome Aggregation Database (gnomAD). The available evidence is insufficient to determine the role of this variant in disease conclusively. Therefore, this variant is classified as a Variant of Uncertain Significance.

This study involves interpretation of variants in research participants for the purpose of population health screening. Participant phenotype was not available at the time of variant classification. Additional details can be found in publication PMID: 35346344, PMCID: PMC8962531

Color Diagnostics, LLC DBA Color Health
Classification: Uncertain significance for Cardiomyopathy. Last evaluated: 2023-09-20. Review status: criteria provided, single submitter. Criteria: ACMG Guidelines, 2015. Collection method: clinical testing. Allele origin: germline.
Comment: This missense variant replaces leucine with valine at codon 767 of the DSP protein. Computational prediction is inconclusive regarding the impact of this variant on protein structure and function (internally defined REVEL score threshold 0.5 < inconclusive < 0.7, PMID: 27666373). To our knowledge, functional studies have not been reported for this variant. This variant has not been reported in individuals affected with cardiovascular disorders in the literature. This variant has not been identified in the general population by the Genome Aggregation Database (gnomAD). The available evidence is insufficient to determine the role of this variant in disease conclusively. Therefore, this variant is classified as a Variant of Uncertain Significance.

CHEO Genetics Diagnostic Laboratory, Children's Hospital of Eastern Ontario
Classification: Uncertain significance for Cardiomyopathy. Last evaluated: 2016-04-18. Review status: criteria provided, single submitter. Criteria: ACMG Guidelines, 2015. Collection method: clinical testing. Allele origin: germline. Study: Canadian Open Genetics Repository.